The following is an entry in ClinVar:

ClinVar aggregate classification (germline): Benign/Likely benign. Review status: criteria provided, multiple submitters, no conflicts (2 of 4 stars). 4 submissions from 4 submitters: Benign (3); Likely benign (1). Last evaluated 2026-07-01.

Allele frequency attached by ClinVar (database versions not stated): gnomAD 0.00009 and 0.00019; gnomAD exomes 0.00011 and 0.00030; TOPMed 0.00016; ExAC 0.00032; 1000 Genomes Project 30x 0.00187; 1000 Genomes Project 0.00200.
gnomAD v4.1: 199 of 1,614,192 alleles (0.012%); highest among the groups gnomAD compares: East Asian, 0.34%; 1 homozygote.

Submissions (4):

CeGaT Center for Human Genetics Tuebingen
Classification: Likely benign. Last evaluated: 2026-07-01. Review status: criteria provided, single submitter. Criteria: CeGaT Center For Human Genetics Tuebingen Variant Classification Criteria Version 2. Collection method: clinical testing. Allele origin: germline. Affected: yes. Observed: 2 variant alleles.
Comment: KCNC3: BP4, BP7, BS1

Mayo Clinic Laboratories, Mayo Clinic
Classification: Benign. Last evaluated: 2025-07-14. Review status: criteria provided, single submitter. Criteria: ACMG Guidelines, 2015. Collection method: clinical testing. Allele origin: germline. Observed: 1 variant allele.
Comment: BS1, BS2, BP4, BP7

Labcorp Genetics (formerly Invitae), Labcorp
Classification: Benign. Last evaluated: 2024-12-04. Review status: criteria provided, single submitter. Criteria: Invitae Variant Classification Sherloc (09022015). Collection method: clinical testing. Allele origin: germline.

Athena Diagnostics
Classification: Benign. Last evaluated: 2023-12-15. Review status: criteria provided, single submitter. Criteria: Athena Diagnostics Criteria. Collection method: clinical testing. Allele origin: unknown.

Literature cited by the submitters: PubMed 21703448 (cited by Athena Diagnostics).

NM_004977.3(KCNC3):c.1539G>A (p.Thr513=)

Gene: KCNC3 (potassium voltage-gated channel subfamily C member 3; minus strand). Cytogenetic location: 19q13.33.
Variant type: single nucleotide variant.
Coding change: c.1539G>A on transcript NM_004977.3 (MANE Select); coding-DNA position 1539, G replaced by A.
Protein change: p.Thr513=; no amino-acid change (threonine 513 retained).
Molecular consequence: synonymous variant.
Genome position (GRCh38, 1-based): chr19:50,323,414, C>T on the plus strand (G>A on the coding strand, the complement: KCNC3 is on the minus strand). VCF-style: chr19-50323414-C-T. GRCh37 (hg19) VCF-style: chr19-50826671-C-T.
Other names: p.Thr513=; c.1311G>A, p.Thr437= (NM_001372305.1).
Identifiers: ClinVar variation 754070 (VCV000754070.20), dbSNP rs2301356, ClinGen allele CA9594222.